The following is an entry in ClinVar:

NM_001122630.2(CDKN1C):c.303G>T (p.Ala101=)

Gene: CDKN1C (cyclin dependent kinase inhibitor 1C; minus strand). Cytogenetic location: 11p15.4.
Variant type: single nucleotide variant.
Coding change: c.303G>T on transcript NM_001122630.2 (MANE Select); coding-DNA position 303, G replaced by T.
Protein change: p.Ala101=; no amino-acid change (alanine 101 retained).
Molecular consequence: synonymous variant. On other transcripts: intron variant (1).
Genome position (GRCh38, 1-based): chr11:2,885,154, C>A on the plus strand (G>T on the coding strand, the complement: CDKN1C is on the minus strand). VCF-style: chr11-2885154-C-A. GRCh37 (hg19) VCF-style: chr11-2906384-C-A.
Other names: c.336G>T, p.Ala112= (NM_000076.2, NM_001362474.2, LRG_533t1); c.303G>T, p.Ala101= (NM_001122631.2); c.255+48G>T (NM_001362475.2).
Identifiers: ClinVar variation 412846 (VCV000412846.27), dbSNP rs931922290, ClinGen allele CA16613308.
Genomic context (GRCh38, chr11:2,885,154, plus strand): 5'-CGCCTCCTCGAGGCCGTCGAGGGACTCAGCGGCCGGCTCGAGGGGCGGGCTGACAGCCAC[C>A]GCGACCGCGACGGGCCGCGGCGCCAGCAGCAGGCGGCAGCGCCCCACCTGCACCGTCTCG-3'
Protein context (NP_001116102.1, residues 91-111): LLLAPRPVAV[Ala101=]VAVSPPLEPA

ClinVar aggregate classification (germline): Likely benign. Review status: criteria provided, multiple submitters, no conflicts (2 of 4 stars). 2 submissions from 2 submitters: Likely benign (2). Last evaluated 2025-10-23.

Conditions:
Beckwith-Wiedemann syndrome (BWS). Also called: EMG SYNDROME; Exomphalos macroglossia gigantism syndrome. Identifiers: Orphanet 116, MedGen C0004903, MONDO:0007534, OMIM 130650.

Submissions (2):

Labcorp Genetics (formerly Invitae), Labcorp
Classification: Likely benign for Beckwith-Wiedemann syndrome. Last evaluated: 2025-10-23. Review status: criteria provided, single submitter. Criteria: Invitae Variant Classification Sherloc (09022015). Collection method: clinical testing. Allele origin: germline.

CeGaT Center for Human Genetics Tuebingen
Classification: Likely benign. Last evaluated: 2024-08-01. Review status: criteria provided, single submitter. Criteria: CeGaT Center For Human Genetics Tuebingen Variant Classification Criteria Version 2. Collection method: clinical testing. Allele origin: germline. Affected: yes. Observed: 1 variant allele.
Comment: CDKN1C: BP4, BP7